The following is an entry in ClinVar:

NM_182493.3(MYLK3):c.973A>G (p.Thr325Ala)

Gene: MYLK3 (myosin light chain kinase 3; minus strand). Cytogenetic location: 16q11.2.
Variant type: single nucleotide variant.
Coding change: c.973A>G on transcript NM_182493.3 (MANE Select); coding-DNA position 973, A replaced by G.
Protein change: p.Thr325Ala; replaces threonine 325 with alanine.
Molecular consequence: missense variant. On other transcripts: intron variant (1).
Genome position (GRCh38, 1-based): chr16:46,737,739, T>C on the plus strand (A>G on the coding strand, the complement: MYLK3 is on the minus strand). VCF-style: chr16-46737739-T-C. GRCh37 (hg19) VCF-style: chr16-46771651-T-C.
Other names: c.-23+2318A>G (NM_001308301.1); short protein forms T325A.
Identifiers: ClinVar variation 2767574 (VCV002767574.3), dbSNP rs2143015786, ClinGen allele CA395793860.

ClinVar aggregate classification (germline): Uncertain significance (1 of 4 stars; one submission).

Submission:

Labcorp Genetics (formerly Invitae), Labcorp
Classification: Uncertain significance. Last evaluated: 2023-10-11. Review status: criteria provided, single submitter. Criteria: Invitae Variant Classification Sherloc (09022015). Collection method: clinical testing. Allele origin: germline.
Comment: This sequence change replaces threonine, which is neutral and polar, with alanine, which is neutral and non-polar, at codon 325 of the MYLK3 protein (p.Thr325Ala). This variant is not present in population databases (gnomAD no frequency). This variant has not been reported in the literature in individuals affected with MYLK3-related conditions. Algorithms developed to predict the effect of missense changes on protein structure and function output the following: SIFT: "Not Available"; PolyPhen-2: "Benign"; Align-GVGD: "Not Available". The alanine amino acid residue is found in multiple mammalian species, which suggests that this missense change does not adversely affect protein function. In summary, the available evidence is currently insufficient to determine the role of this variant in disease. Therefore, it has been classified as a Variant of Uncertain Significance.